The following is an entry in ClinVar:

NM_015443.4(KANSL1):c.2457C>G (p.His819Gln)

Gene: KANSL1 (KAT8 regulatory NSL complex subunit 1). Cytogenetic location: 17q21.31.
Variant type: single nucleotide variant.
Coding change: c.2457C>G on transcript NM_015443.4 (MANE Select); coding-DNA position 2457, C replaced by G.
Protein change: p.His819Gln; replaces histidine 819 with glutamine.
Molecular consequence: missense variant.
Genome position (GRCh38, 1-based): chr17:46,038,622, G>C on the plus strand (C>G on the coding strand, the complement: KANSL1 is on the minus strand). VCF-style: chr17-46038622-G-C. GRCh37 (hg19) VCF-style: chr17-44115988-G-C.
Other names: c.2457C>G, p.His819Gln (NM_001193465.2, NM_001193466.2, NM_001379198.1 and 8 more transcripts); c.2355C>G, p.His785Gln (NM_001405859.1, NM_001405860.1, NM_001405861.1 and 1 more transcripts); c.2268C>G, p.His756Gln (NM_001405875.1, NM_001405876.1, NM_001405877.1 and 3 more transcripts); c.1191C>G, p.His397Gln (NM_001405882.1, NM_001405883.1); c.1002C>G, p.His334Gln (NM_001405884.1, NM_001405885.1); short protein forms H334Q, H397Q, H756Q, H785Q, H819Q.
Identifiers: ClinVar variation 4846823 (VCV004846823.1).
Genomic context (GRCh38, chr17:46,038,622, plus strand): 5'-GCTAGAGCTGGCGGGTGCAGGGGAATCTGAGGAGGTGGAGAGCTGTCGCACCAAGGGACT[G>C]TGTGGAGGATGGTGGGTGGCTGCCAAGTAGCTCGAACTGCTCATGTCTGTGTGATGCTTC-3'
Protein context (NP_056258.1, residues 809-829): SYLAATHHPP[His819Gln]SPLVRQLSTS

ClinVar aggregate classification (germline): Uncertain significance (1 of 4 stars; one submission).

Conditions:
Koolen-de Vries syndrome (KDVS). Identifiers: Orphanet 96169, MedGen C1864871, MONDO:0012496, OMIM 610443.

Submission:

Laboratorio de Genetica e Diagnostico Molecular, Hospital Israelita Albert Einstein
Classification: Uncertain significance for Koolen-de Vries syndrome. Last evaluated: 2025-12-04. Review status: criteria provided, single submitter. Criteria: ACMG Guidelines, 2015. Collection method: clinical testing. Allele origin: germline. Affected: yes.
Comment: ACMG classification criteria: PM2 supporting, BP4 supporting